The following is an entry in ClinVar:

ClinVar aggregate classification (germline): Pathogenic/Likely pathogenic. Review status: criteria provided, multiple submitters, no conflicts (2 of 4 stars). 3 submissions from 3 submitters: Pathogenic (1); Likely pathogenic (1). 1 of the submissions does not count toward it. Last evaluated 2024-10-21.

Conditions:
Tuberous sclerosis 2 (TSC2). Identifiers: Orphanet 805, MedGen C1860707, MONDO:0013199, OMIM 613254.
Tuberous sclerosis syndrome (TSC). Also called: Tuberous Sclerosis Complex; Tuberous sclerosis. Identifiers: Orphanet 805, MedGen C0041341, MONDO:0001734.

Submissions (3):

Revvity Omics, Revvity
Classification: Likely pathogenic for Tuberous sclerosis 2. Last evaluated: 2024-10-21. Review status: criteria provided, single submitter. Criteria: ACMG Guidelines, 2015. Collection method: clinical testing. Allele origin: germline.

Labcorp Genetics (formerly Invitae), Labcorp
Classification: Pathogenic for Tuberous sclerosis 2. Last evaluated: 2021-02-05. Review status: criteria provided, single submitter. Criteria: Invitae Variant Classification Sherloc (09022015). Collection method: clinical testing. Allele origin: germline.
Comment: For these reasons, this variant has been classified as Pathogenic. Advanced modeling of protein sequence and biophysical properties (such as structural, functional, and spatial information, amino acid conservation, physicochemical variation, residue mobility, and thermodynamic stability) performed at Invitae indicates that this missense variant is expected to disrupt TSC2 protein function. This variant has been observed in several individuals with clinical features of tuberous sclerosis complex (PMID: 17304050, 21309039, Inviate). This variant is also known as L1555P. ClinVar contains an entry for this variant (Variation ID: 50095). This variant is not present in population databases (ExAC no frequency). This sequence change replaces leucine with proline at codon 1578 of the TSC2 protein (p.Leu1578Pro). The leucine residue is highly conserved and there is a moderate physicochemical difference between leucine and proline.

Tuberous sclerosis database (TSC2)
No classification provided. Condition: TSC. Review status: no classification provided. Criteria: Tuberous Sclerosis Database Assertion Criteria 2015. Collection method: curation. Allele origin: germline. Affected: yes. Not counted in ClinVar's aggregate classification.

Literature cited by the submitters: PubMed 17304050 (cited by Labcorp Genetics (formerly Invitae), Labcorp); PubMed 21309039 (cited by Labcorp Genetics (formerly Invitae), Labcorp).

NM_000548.5(TSC2):c.4733T>C (p.Leu1578Pro)

Gene: TSC2 (TSC complex subunit 2; plus strand). Cytogenetic location: 16p13.3.
Variant type: single nucleotide variant.
Coding change: c.4733T>C on transcript NM_000548.5 (MANE Select); coding-DNA position 4733, T replaced by C.
Protein change: p.Leu1578Pro; replaces leucine 1578 with proline.
Molecular consequence: missense variant.
Genome position (GRCh38, 1-based): chr16:2,086,263, T>C. VCF-style: chr16-2086263-T-C. GRCh37 (hg19) VCF-style: chr16-2136264-T-C.
Other names: c.4388T>C, p.Leu1463Pro (NM_001318829.2); c.4001T>C, p.Leu1334Pro (NM_001318831.2); c.4565T>C, p.Leu1522Pro (NM_001318832.2); c.4535T>C, p.Leu1512Pro (NM_001363528.2); c.4601T>C, p.Leu1534Pro (NM_001370404.1); c.4604T>C, p.Leu1535Pro (NM_001370405.1, NM_021055.3); c.4532T>C, p.Leu1511Pro (NM_001077183.3); c.4664T>C, p.Leu1555Pro (NM_001114382.3); and 1 more; short protein forms L1578P, L1511P, L1522P, L1334P, L1475P, L1512P, L1535P, L1463P.
Identifiers: ClinVar variation 50095 (VCV000050095.8), dbSNP rs45517367, ClinGen allele CA020960.